The following is an entry in ClinVar:

ClinVar aggregate classification (germline): Uncertain significance (1 of 4 stars; one submission).

Conditions:
Hypomyelination and Congenital Cataract (HLD5). Also called: hypomyelinating leukodystrophy 5. Identifiers: Orphanet 85163, MedGen C1864663, MONDO:0012514, OMIM 610532.

Allele frequency attached by ClinVar (database versions not stated): gnomAD exomes below 0.00001; gnomAD 0.00001.
gnomAD v4.1: 3 of 1,613,614 alleles (0.00019%); highest among the groups gnomAD compares: Admixed American, 0.0017%; no homozygotes.

Submission:

Labcorp Genetics (formerly Invitae), Labcorp
Classification: Uncertain significance for Hypomyelination and Congenital Cataract. Last evaluated: 2022-07-01. Review status: criteria provided, single submitter. Criteria: Invitae Variant Classification Sherloc (09022015). Collection method: clinical testing. Allele origin: germline.
Comment: This sequence change replaces histidine, which is basic and polar, with glutamine, which is neutral and polar, at codon 381 of the FAM126A protein (p.His381Gln). This variant is present in population databases (no rsID available, gnomAD 0.003%). This variant has not been reported in the literature in individuals affected with FAM126A-related conditions. Algorithms developed to predict the effect of missense changes on protein structure and function output the following: SIFT: "Tolerated"; PolyPhen-2: "Benign"; Align-GVGD: "Class C0". The glutamine amino acid residue is found in multiple mammalian species, which suggests that this missense change does not adversely affect protein function. In summary, the available evidence is currently insufficient to determine the role of this variant in disease. Therefore, it has been classified as a Variant of Uncertain Significance.

NM_032581.4(HYCC1):c.1143C>A (p.His381Gln)

Gene: HYCC1 (hyccin PI4KA lipid kinase complex subunit 1; minus strand). Cytogenetic location: 7p15.3.
Variant type: single nucleotide variant.
Coding change: c.1143C>A on transcript NM_032581.4 (MANE Select); coding-DNA position 1143, C replaced by A.
Protein change: p.His381Gln; replaces histidine 381 with glutamine.
Molecular consequence: missense variant. On other transcripts: 3 prime UTR variant (2).
Genome position (GRCh38, 1-based): chr7:22,946,012, G>T on the plus strand (C>A on the coding strand, the complement: HYCC1 is on the minus strand). VCF-style: chr7-22946012-G-T. GRCh37 (hg19) VCF-style: chr7-22985631-G-T.
Other names: c.*179C>A (NM_001363466.2); c.*137C>A (NM_001363467.2); short protein forms H381Q.
Identifiers: ClinVar variation 1976854 (VCV001976854.4), dbSNP rs1167616439, ClinGen allele CA366970349.